The following is an entry in ClinVar:

NM_024757.5(EHMT1):c.1176C>T (p.Asp392=)

Gene: EHMT1 (euchromatic histone lysine methyltransferase 1; plus strand). Cytogenetic location: 9q34.3.
Variant type: single nucleotide variant.
Coding change: c.1176C>T on transcript NM_024757.5 (MANE Select); coding-DNA position 1176, C replaced by T.
Protein change: p.Asp392=; no amino-acid change (aspartic acid 392 retained).
Molecular consequence: synonymous variant.
Genome position (GRCh38, 1-based): chr9:137,752,336, C>T. VCF-style: chr9-137752336-C-T. GRCh37 (hg19) VCF-style: chr9-140646788-C-T.
Other names: c.1176C>T, p.Asp392= (NM_001145527.2, NM_001354611.2); c.1083C>T, p.Asp361= (NM_001354259.2, NM_001354612.2); c.1155C>T, p.Asp385= (NM_001354263.2).
Identifiers: ClinVar variation 435039 (VCV000435039.20), dbSNP rs373083497, ClinGen allele CA5374535.

ClinVar aggregate classification (germline): Likely benign. Review status: criteria provided, multiple submitters, no conflicts (2 of 4 stars). 4 submissions from 4 submitters: Likely benign (3). 1 of the submissions does not count toward it. Last evaluated 2026-01-05.

Conditions:
EHMT1-related disorder. Also called: EHMT1-related condition.
Inborn genetic diseases. Identifiers: MedGen C0950123, MeSH D030342.
Kleefstra syndrome 1 (KLEFS1). Identifiers: Orphanet 261494, MedGen C0795833, MONDO:0027407, OMIM 610253.

Allele frequency attached by ClinVar (database versions not stated): ExAC 0.00009; gnomAD exomes 0.00011 and 0.00028; ESP Exome Variant Server 0.00015; 1000 Genomes Project 30x 0.00016; gnomAD 0.00016; TOPMed 0.00017; 1000 Genomes Project 0.00020.
gnomAD v4.1: 428 of 1,614,160 alleles (0.027%); highest among the groups gnomAD compares: Non-Finnish European, 0.035%; no homozygotes.

Submissions (4):

Labcorp Genetics (formerly Invitae), Labcorp
Classification: Likely benign for Kleefstra syndrome 1. Last evaluated: 2026-01-05. Review status: criteria provided, single submitter. Criteria: Invitae Variant Classification Sherloc (09022015). Collection method: clinical testing. Allele origin: germline.

Ambry Genetics
Classification: Likely benign for Inborn genetic diseases. Last evaluated: 2018-11-10. Review status: criteria provided, single submitter. Criteria: Ambry Variant Classification Scheme 2023. Collection method: clinical testing. Allele origin: germline.

Genetic Services Laboratory, University of Chicago
Classification: Likely benign. Last evaluated: 2017-04-04. Review status: criteria provided, single submitter. Criteria: ACMG Guidelines, 2015. Collection method: clinical testing. Allele origin: germline. Affected: no.

PreventionGenetics, part of Exact Sciences
Classification: Likely benign for EHMT1-related condition. Last evaluated: 2019-03-06. Review status: no assertion criteria provided. Collection method: clinical testing. Allele origin: germline. Not counted in ClinVar's aggregate classification.
Comment: This variant is classified as likely benign based on ACMG/AMP sequence variant interpretation guidelines (Richards et al. 2015 PMID: 25741868, with internal and published modifications).